The following is an entry in ClinVar:

NM_001684.5(ATP2B4):c.3132+3G>A

Gene: ATP2B4 (ATPase plasma membrane Ca2+ transporting 4; plus strand). Cytogenetic location: 1q32.1.
Variant type: single nucleotide variant.
Coding change: c.3132+3G>A on transcript NM_001684.5 (MANE Select); 3 bases into the intron after coding-DNA position 3132, G replaced by A.
Molecular consequence: intron variant.
Genome position (GRCh38, 1-based): chr1:203,723,991, G>A. VCF-style: chr1-203723991-G-A. GRCh37 (hg19) VCF-style: chr1-203693119-G-A.
Other names: c.3132+3G>A (NM_001001396.3, NM_001365783.2, NM_001365784.2).
Identifiers: ClinVar variation 3352359 (VCV003352359.1).

ClinVar aggregate classification (germline): Likely benign (0 of 4 stars; one submission).

Conditions:
ATP2B4-related disorder. Also called: ATP2B4-related condition.

gnomAD v4.1: 6 of 1,606,678 alleles (0.00037%); highest among the groups gnomAD compares: Non-Finnish European, 0.00051%; no homozygotes.

Submission:

PreventionGenetics, part of Exact Sciences
Classification: Likely benign for ATP2B4-related condition. Last evaluated: 2019-06-18. Review status: no assertion criteria provided. Collection method: clinical testing. Allele origin: germline.
Comment: This variant is classified as likely benign based on ACMG/AMP sequence variant interpretation guidelines (Richards et al. 2015 PMID: 25741868, with internal and published modifications).